The following is an entry in ClinVar:

ClinVar aggregate classification (germline): Likely benign (1 of 4 stars; one submission).

Allele frequency attached by ClinVar (database versions not stated): gnomAD exomes below 0.00001.
gnomAD v4.1: 1 of 1,535,406 alleles (0.000065%); highest among the groups gnomAD compares: Non-Finnish European, 0.000088%; no homozygotes.

Submission:

CeGaT Center for Human Genetics Tuebingen
Classification: Likely benign. Last evaluated: 2022-10-01. Review status: criteria provided, single submitter. Criteria: CeGaT Center For Human Genetics Tuebingen Variant Classification Criteria Version 2. Collection method: clinical testing. Allele origin: germline. Affected: yes. Observed: 1 variant allele.
Comment: AMPH: PM2:Supporting, BP4, BP7

NM_001635.4(AMPH):c.57C>G (p.Arg19=)

Gene: AMPH (amphiphysin; minus strand). Cytogenetic location: 7p14.1.
Variant type: single nucleotide variant.
Coding change: c.57C>G on transcript NM_001635.4 (MANE Select); coding-DNA position 57, C replaced by G.
Protein change: p.Arg19=; no amino-acid change (arginine 19 retained).
Molecular consequence: synonymous variant.
Genome position (GRCh38, 1-based): chr7:38,631,295, G>C on the plus strand (C>G on the coding strand, the complement: AMPH is on the minus strand). VCF-style: chr7-38631295-G-C. GRCh37 (hg19) VCF-style: chr7-38670895-G-C.
Other names: c.57C>G, p.Arg19= (NM_139316.3).
Identifiers: ClinVar variation 2657388 (VCV002657388.24), dbSNP rs2484055100, ClinGen allele CA454782465.